The following is an entry in ClinVar:

NM_003098.3(SNTA1):c.590G>T (p.Arg197Leu)

Gene: SNTA1 (syntrophin alpha 1; minus strand). Cytogenetic location: 20q11.21.
Variant type: single nucleotide variant.
Coding change: c.590G>T on transcript NM_003098.3 (MANE Select); coding-DNA position 590, G replaced by T.
Protein change: p.Arg197Leu; replaces arginine 197 with leucine.
Molecular consequence: missense variant.
Genome position (GRCh38, 1-based): chr20:33,417,830, C>A on the plus strand (G>T on the coding strand, the complement: SNTA1 is on the minus strand). VCF-style: chr20-33417830-C-A. GRCh37 (hg19) VCF-style: chr20-32005636-C-A.
Other names: short protein forms R197L.
Identifiers: ClinVar variation 1750445 (VCV001750445.2), dbSNP rs775740746, ClinGen allele CA408632607.
Genomic context (GRCh38, chr20:33,417,830, plus strand): 5'-AAGGACATGTGTTTGGCCTCGCTGAAGTTCCGGGGTGTGGGGCCAGGGGAGGAAGGCTGC[C>A]GCTGAAGGGGTGAGGCAGGAGGTGAGTCCCAGCCGACCGAGGTCCCACCAGTAGAGTTCT-3'
Protein context (NP_003089.1, residues 187-207): WDSPPASPLQ[Arg197Leu]QPSSPGPTPR

ClinVar aggregate classification (germline): Uncertain significance (1 of 4 stars; one submission).

Conditions:
Cardiovascular phenotype. Identifiers: MedGen CN230736.

Submission:

Ambry Genetics
Classification: Uncertain significance for Cardiovascular phenotype. Last evaluated: 2022-01-17. Review status: criteria provided, single submitter. Criteria: Ambry Variant Classification Scheme 2023. Collection method: clinical testing. Allele origin: germline.
Comment: The p.R197L variant (also known as c.590G>T), located in coding exon 3 of the SNTA1 gene, results from a G to T substitution at nucleotide position 590. The arginine at codon 197 is replaced by leucine, an amino acid with dissimilar properties. This amino acid position is conserved. In addition, this alteration is predicted to be tolerated by in silico analysis. Since supporting evidence is limited at this time, the clinical significance of this alteration remains unclear.